The following is an entry in ClinVar:

NM_000264.5(PTCH1):c.80C>T (p.Pro27Leu)

Genes: PTCH1 (patched 1; minus strand), LOC130002133 (ATAC-STARR-seq lymphoblastoid silent region 20071; plus strand). Cytogenetic location: 9q22.32.
Variant type: single nucleotide variant.
Coding change: c.80C>T on transcript NM_000264.5 (MANE Select); coding-DNA position 80, C replaced by T.
Protein change: p.Pro27Leu; replaces proline 27 with leucine.
Molecular consequence: missense variant. On other transcripts: non-coding transcript variant (1), intron variant (3).
Genome position (GRCh38, 1-based): chr9:95,508,282, G>A on the plus strand (C>T on the coding strand, the complement: PTCH1 is on the minus strand). VCF-style: chr9-95508282-G-A. GRCh37 (hg19) VCF-style: chr9-98270564-G-A.
Other names: c.80C>T, p.Pro27Leu (NM_001354918.2); c.199-1683C>T (NM_001083603.3); c.4-1683C>T (NM_001083602.3, NM_001354919.2); short protein forms P27L.
Identifiers: ClinVar variation 486173 (VCV000486173.7), dbSNP rs762960154, ClinGen allele CA5139055.

ClinVar aggregate classification (germline): Conflicting classifications of pathogenicity. Review status: criteria provided, conflicting classifications (1 of 4 stars). 2 submissions from 2 submitters: Uncertain significance (1); Likely benign (1). Last evaluated 2026-08-07.

Conditions:
Gorlin syndrome. Also called: Nevoid Basal Cell Carcinoma Syndrome; Basal cell nevus syndrome. Identifiers: Orphanet 377, MedGen C0004779, MONDO:0007187.
Hereditary cancer-predisposing syndrome. Also called: Neoplastic Syndromes, Hereditary; Hereditary neoplastic syndrome; Hereditary Cancer Syndrome; Tumor predisposition. Identifiers: Orphanet 140162, MedGen C0027672, MeSH D009386, MONDO:0015356.

Allele frequency attached by ClinVar (database versions not stated): ExAC below 0.00001.

Submissions (2):

Ambry Genetics
Classification: Likely benign for Hereditary cancer-predisposing syndrome. Last evaluated: 2026-08-07. Review status: criteria provided, single submitter. Criteria: Ambry Variant Classification Scheme 2023. Collection method: clinical testing. Allele origin: germline.

Labcorp Genetics (formerly Invitae), Labcorp
Classification: Uncertain significance for Gorlin syndrome. Last evaluated: 2025-12-24. Review status: criteria provided, single submitter. Criteria: Invitae Variant Classification Sherloc (09022015). Collection method: clinical testing. Allele origin: germline.
Comment: This sequence change replaces proline, which is neutral and non-polar, with leucine, which is neutral and non-polar, at codon 27 of the PTCH1 protein (p.Pro27Leu). This variant is not present in population databases (gnomAD no frequency). This variant has not been reported in the literature in individuals affected with PTCH1-related conditions. ClinVar contains an entry for this variant (Variation ID: 486173). Invitae Evidence Modeling of protein sequence and biophysical properties (such as structural, functional, and spatial information, amino acid conservation, physicochemical variation, residue mobility, and thermodynamic stability) indicates that this missense variant is not expected to disrupt PTCH1 protein function with a negative predictive value of 95%. In summary, the available evidence is currently insufficient to determine the role of this variant in disease. Therefore, it has been classified as a Variant of Uncertain Significance.